The following is an entry in ClinVar:

NM_177438.3(DICER1):c.1775A>G (p.Lys592Arg)

Gene: DICER1 (dicer 1, ribonuclease III; minus strand). Cytogenetic location: 14q32.13.
Variant type: single nucleotide variant.
Coding change: c.1775A>G on transcript NM_177438.3 (MANE Select); coding-DNA position 1775, A replaced by G.
Protein change: p.Lys592Arg; replaces lysine 592 with arginine.
Molecular consequence: missense variant. On other transcripts: non-coding transcript variant (6).
Genome position (GRCh38, 1-based): chr14:95,115,799, T>C on the plus strand (A>G on the coding strand, the complement: DICER1 is on the minus strand). VCF-style: chr14-95115799-T-C. GRCh37 (hg19) VCF-style: chr14-95582136-T-C.
Other names: c.1775A>G, p.Lys592Arg (NM_001195573.1, NM_001271282.3, NM_001291628.2 and 13 more transcripts); c.1493A>G, p.Lys498Arg (NM_001395686.1); c.1370A>G, p.Lys457Arg (NM_001395687.1, NM_001395688.1, NM_001395689.1 and 3 more transcripts); c.1208A>G, p.Lys403Arg (NM_001395691.1); c.92A>G, p.Lys31Arg (NM_001395697.1); short protein forms K31R, K403R, K457R, K498R, K592R.
Identifiers: ClinVar variation 2576876 (VCV002576876.2), dbSNP rs1892396567, ClinGen allele CA390884156.

ClinVar aggregate classification (germline): Uncertain significance. Review status: criteria provided, multiple submitters, no conflicts (2 of 4 stars). 2 submissions from 2 submitters: Uncertain significance (2). Last evaluated 2026-07-06.

Conditions:
Hereditary cancer-predisposing syndrome. Also called: Hereditary neoplastic syndrome; Hereditary Cancer Syndrome; Neoplastic Syndromes, Hereditary; Tumor predisposition. Identifiers: Orphanet 140162, MedGen C0027672, MeSH D009386, MONDO:0015356.

Allele frequency attached by ClinVar (database versions not stated): TOPMed below 0.00001.

Submissions (2):

Ambry Genetics
Classification: Uncertain significance for Hereditary cancer-predisposing syndrome. Last evaluated: 2026-07-06. Review status: criteria provided, single submitter. Criteria: Ambry Variant Classification Scheme 2023. Collection method: clinical testing. Allele origin: germline.
Comment: The p.K592R variant (also known as c.1775A>G), located in coding exon 10 of the DICER1 gene, results from an A to G substitution at nucleotide position 1775. The lysine at codon 592 is replaced by arginine, an amino acid with highly similar properties. This amino acid position is conserved. In addition, this alteration is predicted to be tolerated by in silico analysis. Based on the available evidence, the clinical significance of this variant remains unclear.

GeneDx
Classification: Uncertain significance. Last evaluated: 2023-02-16. Review status: criteria provided, single submitter. Criteria: GeneDx Variant Classification Process June 2021. Collection method: clinical testing. Allele origin: germline. Affected: yes.
Comment: Not observed at significant frequency in large population cohorts (gnomAD); In silico analysis supports that this missense variant does not alter protein structure/function; Has not been previously published as pathogenic or benign to our knowledge